The following is an entry in ClinVar:

ClinVar aggregate classification (germline): Uncertain significance. Review status: criteria provided, single submitter (1 of 4 stars). 2 submissions from 2 submitters: Uncertain significance (1). 1 of the submissions does not count toward it. Last evaluated 2017-01-10.

Conditions:
Glycogen storage disease, type II (IOPD). Also called: Pompe Disease; CARDIOMEGALIA GLYCOGENICA DIFFUSA; GLYCOGENOSIS, GENERALIZED, CARDIAC FORM; GSD II; Glycogen storage disease type 2; Acid maltase deficiency disease. Identifiers: Orphanet 365, MedGen C0017921, MONDO:0009290, OMIM 232300.

Allele frequency attached by ClinVar (database versions not stated): gnomAD 0.00001.
gnomAD v4.1: 6 of 1,607,344 alleles (0.00037%); highest among the groups gnomAD compares: African/African-American, 0.0013%; no homozygotes.

Submissions (2):

GeneDx
Classification: Uncertain significance. Last evaluated: 2017-01-10. Review status: criteria provided, single submitter. Criteria: GeneDx Variant Classification (06012015). Collection method: clinical testing. Allele origin: germline. Affected: yes.
Comment: The V628L variant has not been published as a pathogenic variant, nor has it been reported as a benign variant to our knowledge. The V628L variant is not observed in large population cohorts (Lek et al., 2016; 1000 Genomes Consortium et al., 2015; Exome Variant Server). This variant is a conservative amino acid substitution, which is not likely to impact secondary protein structure as these residues share similar properties. This substitution occurs at a position where amino acids with similar properties to Valine are tolerated across species. However, a missense variant in a nearby residue (S627P) has been reported in the Human Gene Mutation Database in association with GSDII (Stenson et al., 2014). In silico analysis is inconsistent in its predictions as to whether or not the variant is damaging to the protein structure/function.

Natera, Inc.
Classification: Uncertain significance for Glycogen storage disease type II. Last evaluated: 2021-01-29. Review status: no assertion criteria provided. Collection method: clinical testing. Allele origin: germline. Not counted in ClinVar's aggregate classification.

NM_000152.5(GAA):c.1882G>T (p.Val628Leu)

Gene: GAA (alpha glucosidase; plus strand). Cytogenetic location: 17q25.3.
Variant type: single nucleotide variant.
Coding change: c.1882G>T on transcript NM_000152.5 (MANE Select); coding-DNA position 1882, G replaced by T.
Protein change: p.Val628Leu; replaces valine 628 with leucine.
Molecular consequence: missense variant.
Genome position (GRCh38, 1-based): chr17:80,112,705, G>T. VCF-style: chr17-80112705-G-T. GRCh37 (hg19) VCF-style: chr17-78086504-G-T.
Other names: c.1882G>T, p.Val628Leu (NM_001079803.3, NM_001079804.3); c.1882G>T (LRG_673t1); short protein forms V628L.
Identifiers: ClinVar variation 392634 (VCV000392634.3), dbSNP rs745911962, ClinGen allele CA16608681.